The following is an entry in ClinVar:

NM_003640.5(ELP1):c.592del (p.Val198fs)

Gene: ELP1 (elongator acetyltransferase complex subunit 1; minus strand). Cytogenetic location: 9q31.3.
Variant type: Deletion.
Coding change: c.592del on transcript NM_003640.5 (MANE Select); coding-DNA position 592, one base deleted (G; older notation c.592delG).
Protein change: p.Val198fs; shifts the reading frame from valine 198.
Molecular consequence: frameshift variant. On other transcripts: intron variant (1).
Genome position (GRCh38, 1-based): chr9:108,919,310, C deleted on the plus strand (G on the coding strand, the reverse complement: ELP1 is on the minus strand). VCF-style (leftmost placement, unchanged base first): chr9-108919309-AC-A. GRCh37 (hg19) VCF-style: chr9-111681589-AC-A.
Other names: c.250del, p.Val84fs (NM_001318360.2); c.-307-1640del (NM_001330749.2); c.592delG (NM_003640.5); short protein forms V198fs, V84fs.
Identifiers: ClinVar variation 4848940 (VCV004848940.1).

ClinVar aggregate classification (germline): Pathogenic (1 of 4 stars; one submission).

Conditions:
Familial dysautonomia. Also called: HSAN III; FD. Identifiers: Orphanet 1764, MedGen C0013364, MONDO:0009131, OMIM 223900. Disease mechanism: loss of function.

Submission:

Women's Health and Genetics/Laboratory Corporation of America, LabCorp
Classification: Pathogenic for Familial dysautonomia. Last evaluated: 2026-04-02. Review status: criteria provided, single submitter. Criteria: LabCorp Variant Classification Summary - May 2015. Collection method: clinical testing. Allele origin: germline.
Comment: Variant summary: ELP1 c.592delG (p.Val198LeufsX12) results in a premature termination codon, predicted to cause a truncation of the encoded protein or absence of the protein due to nonsense mediated decay, which are commonly known mechanisms for disease. The variant was absent in 1613750 control chromosomes. To our knowledge, no occurrence of c.592delG in individuals affected with ELP1-related conditions and no experimental evidence demonstrating its impact on protein function have been reported. No submitters have cited clinical-significance assessments for this variant to ClinVar. Based on the evidence outlined above, the variant was classified as pathogenic.